The following is an entry in ClinVar:

NM_199355.4(ADAMTS18):c.1216+4T>C

Gene: ADAMTS18 (ADAM metallopeptidase with thrombospondin type 1 motif 18; minus strand). Cytogenetic location: 16q23.1.
Variant type: single nucleotide variant.
Coding change: c.1216+4T>C on transcript NM_199355.4 (MANE Select); 4 bases into the intron after coding-DNA position 1216, T replaced by C.
Molecular consequence: intron variant.
Genome position (GRCh38, 1-based): chr16:77,362,101, A>G on the plus strand (T>C on the coding strand, the complement: ADAMTS18 is on the minus strand). VCF-style: chr16-77362101-A-G. GRCh37 (hg19) VCF-style: chr16-77395998-A-G.
Other names: c.700+4T>C (NM_001326358.2).
Identifiers: ClinVar variation 2750212 (VCV002750212.3), dbSNP rs1159982672, ClinGen allele CA2634397180.

ClinVar aggregate classification (germline): Uncertain significance (1 of 4 stars; one submission).

Allele frequency attached by ClinVar (database versions not stated): gnomAD exomes below 0.00001.
gnomAD v4.1: 1 of 1,614,052 alleles (0.000062%); highest among the groups gnomAD compares: Admixed American, 0.0017%; no homozygotes.

Submission:

Labcorp Genetics (formerly Invitae), Labcorp
Classification: Uncertain significance. Last evaluated: 2023-08-10. Review status: criteria provided, single submitter. Criteria: Invitae Variant Classification Sherloc (09022015). Collection method: clinical testing. Allele origin: germline.
Comment: This variant has not been reported in the literature in individuals affected with ADAMTS18-related conditions. In summary, the available evidence is currently insufficient to determine the role of this variant in disease. Therefore, it has been classified as a Variant of Uncertain Significance. Variants that disrupt the consensus splice site are a relatively common cause of aberrant splicing (PMID: 17576681, 9536098). Algorithms developed to predict the effect of sequence changes on RNA splicing suggest that this variant is not likely to affect RNA splicing. This variant is not present in population databases (gnomAD no frequency). This sequence change falls in intron 7 of the ADAMTS18 gene. It does not directly change the encoded amino acid sequence of the ADAMTS18 protein. It affects a nucleotide within the consensus splice site.

Literature cited by the submitters: PubMed 17576681; PubMed 9536098.